The following is an entry in ClinVar:

ClinVar aggregate classification (germline): Benign/Likely benign. Review status: criteria provided, multiple submitters, no conflicts (2 of 4 stars). 6 submissions from 6 submitters: Benign (1); Likely benign (4). 1 of the submissions does not count toward it. Last evaluated 2025-08-18.

Conditions:
EP400-related disorder. Also called: EP400-related condition.

Allele frequency attached by ClinVar (database versions not stated): 1000 Genomes Project 0.00120; 1000 Genomes Project 30x 0.00125; ESP Exome Variant Server 0.00254; gnomAD 0.00266 and 0.00268; gnomAD exomes 0.00297 and 0.00348; ExAC 0.00301; TOPMed 0.00312.
gnomAD v4.1: 5,537 of 1,612,658 alleles (0.34%); highest among the groups gnomAD compares: Middle Eastern, 1.1%; 17 homozygotes.

Submissions (6):

Genomic Medicine Center of Excellence, King Faisal Specialist Hospital and Research Centre
Classification: Likely benign. Last evaluated: 2025-08-18. Review status: criteria provided, single submitter. Criteria: ACMG Guidelines, 2015. Collection method: clinical testing. Allele origin: germline.

CeGaT Center for Human Genetics Tuebingen
Classification: Likely benign. Last evaluated: 2025-02-01. Review status: criteria provided, single submitter. Criteria: CeGaT Center For Human Genetics Tuebingen Variant Classification Criteria Version 2. Collection method: clinical testing. Allele origin: germline. Affected: yes. Observed: 1 variant allele.
Comment: EP400: BP4, BS2

Dubai Health Genomic Medicine Center, Dubai Health
Classification: Benign. Last evaluated: 2020-03-19. Review status: criteria provided, single submitter. Criteria: ACMG Guidelines, 2015. Collection method: clinical testing. Allele origin: germline. Affected: yes.

Labcorp Genetics (formerly Invitae), Labcorp
Classification: Likely benign. Last evaluated: 2018-05-21. Review status: criteria provided, single submitter. Criteria: Invitae Variant Classification Sherloc (09022015). Collection method: clinical testing. Allele origin: germline.

Breakthrough Genomics
Classification: Likely benign. Review status: criteria provided, single submitter. Criteria: ACMG Guidelines, 2015. Collection method: not provided. Allele origin: germline. Inheritance: Unknown mechanism. Affected: yes.

PreventionGenetics, part of Exact Sciences
Classification: Likely benign for EP400-related condition. Last evaluated: 2021-01-30. Review status: no assertion criteria provided. Collection method: clinical testing. Allele origin: germline. Not counted in ClinVar's aggregate classification.
Comment: This variant is classified as likely benign based on ACMG/AMP sequence variant interpretation guidelines (Richards et al. 2015 PMID: 25741868, with internal and published modifications).

NM_015409.5(EP400):c.4945G>A (p.Ala1649Thr)

Gene: EP400 (E1A binding protein p400; plus strand). Cytogenetic location: 12q24.33.
Variant type: single nucleotide variant.
Coding change: c.4945G>A on transcript NM_015409.5 (MANE Select); coding-DNA position 4945, G replaced by A.
Protein change: p.Ala1649Thr; replaces alanine 1649 with threonine.
Molecular consequence: missense variant.
Genome position (GRCh38, 1-based): chr12:132,025,735, G>A. VCF-style: chr12-132025735-G-A. GRCh37 (hg19) VCF-style: chr12-132510280-G-A.
Other names: short protein forms A1649T.
Identifiers: ClinVar variation 788797 (VCV000788797.22), dbSNP rs148749054, ClinGen allele CA6885854.